The following is an entry in ClinVar:

NM_004168.4(SDHA):c.368T>G (p.Phe123Cys)

Gene: SDHA (succinate dehydrogenase complex flavoprotein subunit A; plus strand). Cytogenetic location: 5p15.33.
Variant type: single nucleotide variant.
Coding change: c.368T>G on transcript NM_004168.4 (MANE Select); coding-DNA position 368, T replaced by G.
Protein change: p.Phe123Cys; replaces phenylalanine 123 with cysteine.
Molecular consequence: missense variant. On other transcripts: intron variant (1).
Genome position (GRCh38, 1-based): chr5:225,474, T>G. VCF-style: chr5-225474-T-G. GRCh37 (hg19) VCF-style: chr5-225589-T-G.
Other names: c.368T>G, p.Phe123Cys (NM_001330758.2); c.313-409T>G (NM_001294332.2); short protein forms F123C.
Identifiers: ClinVar variation 2944269 (VCV002944269.3), dbSNP rs2477294680, ClinGen allele CA359009345.
Genomic context (GRCh38, chr5:225,474, plus strand): 5'-TCCAGGGAGGAATCAATGCTGCTCTGGGGAACATGGAGGAGGACAACTGGAGGTGGCATT[T>G]CTACGACACCGTGAAGGGCTCCGACTGGCTGGGGGACCAGGATGCCATCCACTACATGAC-3'
Protein context (NP_004159.2, residues 113-133): NMEEDNWRWH[Phe123Cys]YDTVKGSDWL

ClinVar aggregate classification (germline): Uncertain significance (1 of 4 stars; one submission).

Conditions:
Mitochondrial complex II deficiency, nuclear type 1. Also called: SUCCINATE CoQ REDUCTASE DEFICIENCY. Identifiers: Orphanet 3208, MedGen C5700310, MONDO:0100294, OMIM 252011.
Pheochromocytoma/paraganglioma syndrome 5. Also called: Paragangliomas 5; SDHA-Related Hereditary Paraganglioma-Pheochromocytoma Syndrome. Identifiers: Orphanet 29072, MedGen C3279992, MONDO:0013602, OMIM 614165.

Submission:

Labcorp Genetics (formerly Invitae), Labcorp
Classification: Uncertain significance for Pheochromocytoma/paraganglioma syndrome 5; Mitochondrial complex II deficiency, nuclear type 1. Last evaluated: 2023-02-14. Review status: criteria provided, single submitter. Criteria: Invitae Variant Classification Sherloc (09022015). Collection method: clinical testing. Allele origin: germline.
Comment: In summary, the available evidence is currently insufficient to determine the role of this variant in disease. Therefore, it has been classified as a Variant of Uncertain Significance. Algorithms developed to predict the effect of missense changes on protein structure and function (SIFT, PolyPhen-2, Align-GVGD) all suggest that this variant is likely to be disruptive. This variant has not been reported in the literature in individuals affected with SDHA-related conditions. This variant is not present in population databases (gnomAD no frequency). This sequence change replaces phenylalanine, which is neutral and non-polar, with cysteine, which is neutral and slightly polar, at codon 123 of the SDHA protein (p.Phe123Cys).